The following is an entry in ClinVar:

ClinVar aggregate classification (germline): Uncertain significance. Review status: criteria provided, multiple submitters, no conflicts (2 of 4 stars). 2 submissions from 2 submitters: Uncertain significance (2). Last evaluated 2025-09-18.

Conditions:
Cardiovascular phenotype. Identifiers: MedGen CN230736.
Cardiomyopathy (CMYO). Also called: Cardiomyopathies. Identifiers: Orphanet 167848, MedGen C0878544, MONDO:0004994, HP:0001638. Inheritance: Various modes of inheritance.

Allele frequency attached by ClinVar (database versions not stated): gnomAD exomes below 0.00001; TOPMed 0.00001.
gnomAD v4.1: 1 of 1,592,722 alleles (0.000063%); highest among the groups gnomAD compares: Non-Finnish European, 0.000086%; no homozygotes.

Submissions (2):

Color Diagnostics, LLC DBA Color Health
Classification: Uncertain significance for Cardiomyopathy. Last evaluated: 2025-09-18. Review status: criteria provided, single submitter. Criteria: ACMG Guidelines, 2015. Collection method: clinical testing. Allele origin: germline.
Comment: This variant causes an A to G nucleotide substitution at the +5 position of intron 62 of the RYR2 gene. To our knowledge, functional studies have not been reported for this variant. This variant has not been reported in individuals affected with RYR2-related disorders in the literature. This variant has not been identified in the general population by the Genome Aggregation Database (gnomAD). The available evidence is insufficient to determine the role of this variant in disease conclusively. Therefore, this variant is classified as a Variant of Uncertain Significance.

Ambry Genetics
Classification: Uncertain significance for Cardiovascular phenotype. Last evaluated: 2019-03-27. Review status: criteria provided, single submitter. Criteria: Ambry Variant Classification Scheme 2023. Collection method: clinical testing. Allele origin: germline.
Comment: The c.9017+5A>G intronic variant results from an A to G substitution 5 nucleotides after coding exon 62 in the RYR2 gene. This nucleotide position is well conserved in available vertebrate species. Using the BDGP and ESEfinder splice site prediction tools, this alteration is not predicted to have any significant effect on this splice donor site; however, direct evidence is unavailable. Since supporting evidence is limited at this time, the clinical significance of this alteration remains unclear.

NM_001035.3(RYR2):c.9017+5A>G

Gene: RYR2 (ryanodine receptor 2; plus strand). Cytogenetic location: 1q43.
Variant type: single nucleotide variant.
Coding change: c.9017+5A>G on transcript NM_001035.3 (MANE Select); 5 bases into the intron after coding-DNA position 9017, A replaced by G.
Molecular consequence: intron variant.
Genome position (GRCh38, 1-based): chr1:237,680,582, A>G. VCF-style: chr1-237680582-A-G. GRCh37 (hg19) VCF-style: chr1-237843882-A-G.
Identifiers: ClinVar variation 1765481 (VCV001765481.3), dbSNP rs1436482131, ClinGen allele CA733330181.